The following is an entry in ClinVar:

NM_000465.4(BARD1):c.1182A>T (p.Thr394=)

Gene: BARD1 (BRCA1 associated RING domain 1; minus strand). Cytogenetic location: 2q35.
Variant type: single nucleotide variant.
Coding change: c.1182A>T on transcript NM_000465.4 (MANE Select); coding-DNA position 1182, A replaced by T.
Protein change: p.Thr394=; no amino-acid change (threonine 394 retained).
Molecular consequence: synonymous variant. On other transcripts: non-coding transcript variant (2), intron variant (3).
Genome position (GRCh38, 1-based): chr2:214,780,692, T>A on the plus strand (A>T on the coding strand, the complement: BARD1 is on the minus strand). VCF-style: chr2-214780692-T-A. GRCh37 (hg19) VCF-style: chr2-215645416-T-A.
Other names: c.1125A>T, p.Thr375= (NM_001282543.2); c.159-28137A>T (NM_001282548.2); c.215+16369A>T (NM_001282545.2); c.364+11605A>T (NM_001282549.2).
Identifiers: ClinVar variation 3379028 (VCV003379028.1).
Genomic context (GRCh38, chr2:214,780,692, plus strand): 5'-CATTGCTGAGGGACTAGACATCACTCGCCTGTAACTTGAACTACTTAATGTAGAAGGTGG[T>A]GTACCTGGTGAAAGACTAATGAATTCATCGGACATGTTACTGTTTTTCCTCCCTGATGTA-3'
Protein context (NP_000456.2, residues 384-404): SDEFISLSPG[Thr394=]PPSTLSSSSY

ClinVar aggregate classification (germline): Benign (1 of 4 stars; one submission).

Conditions:
Familial cancer of breast. Also called: hereditary breast carcinoma; Hereditary breast cancer; BREAST CANCER, FAMILIAL. Identifiers: Orphanet 227535, MedGen C0346153, MONDO:0016419, OMIM 114480. Disease mechanism: loss of function.

Submission:

Myriad Genetics, Inc.
Classification: Benign for Familial cancer of breast. Last evaluated: 2024-07-24. Review status: criteria provided, single submitter. Criteria: Myriad Autosomal Dominant, Autosomal Recessive and X-Linked Classification Criteria (2023). Collection method: clinical testing. Allele origin: unknown.
Comment: This variant is considered benign. This variant is a silent/synonymous amino acid change and it is not expected to impact splicing.